The following is an entry in ClinVar:

ClinVar aggregate classification (germline): Likely benign. Review status: criteria provided, multiple submitters, no conflicts (2 of 4 stars). 2 submissions from 2 submitters: Likely benign (2). Last evaluated 2022-07-29.

Conditions:
Muscular dystrophy-dystroglycanopathy (congenital with impaired intellectual development), type B, 3. Also called: Muscular dystrophy-dystroglycanopathy (congenital with intellectual disability), type B3; MUSCULAR DYSTROPHY, CONGENITAL, POMGNT1-RELATED. Identifiers: MedGen C3150412, MONDO:0013155, OMIM 613151.
Autosomal recessive limb-girdle muscular dystrophy type 2O. Also called: Limb-Girdle Muscular Dystrophy Type 3C; MUSCULAR DYSTROPHY-DYSTROGLYCANOPATHY (LIMB-GIRDLE), TYPE C, 3; MUSCULAR DYSTROPHY-DYSTROGLYCANOPATHY, LIMB-GIRDLE, POMGNT1-RELATED. Identifiers: Orphanet 206564, MedGen C3150417, MONDO:0013161, OMIM 613157.

Allele frequency attached by ClinVar (database versions not stated): gnomAD 0.00001.
gnomAD v4.1: 1 of 1,613,806 alleles (0.000062%); highest among the groups gnomAD compares: Non-Finnish European, 0.000085%; no homozygotes.

Submissions (2):

Labcorp Genetics (formerly Invitae), Labcorp
Classification: Likely benign for Autosomal recessive limb-girdle muscular dystrophy type 2O; Muscular dystrophy-dystroglycanopathy (congenital with impaired intellectual development), type B, 3. Last evaluated: 2022-07-29. Review status: criteria provided, single submitter. Criteria: Invitae Variant Classification Sherloc (09022015). Collection method: clinical testing. Allele origin: germline.

GeneDx
Classification: Likely benign. Last evaluated: 2016-03-14. Review status: criteria provided, single submitter. Criteria: GeneDx Variant Classification (06012015). Collection method: clinical testing. Allele origin: germline. Affected: yes.
Comment: This variant is considered likely benign or benign based on one or more of the following criteria: it is a conservative change, it occurs at a poorly conserved position in the protein, it is predicted to be benign by multiple in silico algorithms, and/or has population frequency not consistent with disease.

NM_017739.4(POMGNT1):c.1560C>T (p.His520=)

Genes: POMGNT1 (protein O-linked mannose N-acetylglucosaminyltransferase 1 (beta 1,2-); minus strand), TSPAN1 (tetraspanin 1; plus strand). Cytogenetic location: 1p34.1.
Variant type: single nucleotide variant.
Coding change: c.1560C>T on transcript NM_017739.4 (MANE Select); coding-DNA position 1560, C replaced by T.
Protein change: p.His520=; no amino-acid change (histidine 520 retained).
Molecular consequence: synonymous variant.
Genome position (GRCh38, 1-based): chr1:46,190,764, G>A on the plus strand (C>T on the coding strand, the complement: POMGNT1 is on the minus strand). VCF-style: chr1-46190764-G-A. GRCh37 (hg19) VCF-style: chr1-46656436-G-A.
Other names: c.1560C>T, p.His520= (NM_001243766.2, NM_001410783.1); c.1494C>T, p.His498= (NM_001290129.3); c.1131C>T, p.His377= (NM_001290130.2).
Identifiers: ClinVar variation 384150 (VCV000384150.10), dbSNP rs1057521878, ClinGen allele CA16603658.